The following is an entry in ClinVar:

ClinVar aggregate classification (germline): Uncertain significance (1 of 4 stars; one submission).

Conditions:
INPP5E-related disorder. Also called: INPP5E-related condition.

gnomAD v4.1: 2 of 1,584,616 alleles (0.00013%); highest among the groups gnomAD compares: Non-Finnish European, 0.00017%; no homozygotes.

Submission:

PreventionGenetics, part of Exact Sciences
Classification: Uncertain significance for INPP5E-related condition. Last evaluated: 2025-09-02. Review status: criteria provided, single submitter. Criteria: ACMG Guidelines, 2015. Collection method: clinical testing. Allele origin: germline.
Comment: The INPP5E c.434G>A variant is predicted to result in the amino acid substitution p.Gly145Glu. To our knowledge, this variant has not been reported in the literature or in a large population database (gnomAD), indicating this variant is rare. At this time, the clinical significance of this variant is uncertain due to the absence of conclusive functional and genetic evidence.

NM_019892.6(INPP5E):c.434G>A (p.Gly145Glu)

Gene: INPP5E (inositol polyphosphate-5-phosphatase E; minus strand). Cytogenetic location: 9q34.3.
Variant type: single nucleotide variant.
Coding change: c.434G>A on transcript NM_019892.6 (MANE Select); coding-DNA position 434, G replaced by A.
Protein change: p.Gly145Glu; replaces glycine 145 with glutamic acid.
Molecular consequence: missense variant.
Genome position (GRCh38, 1-based): chr9:136,438,986, C>T on the plus strand (G>A on the coding strand, the complement: INPP5E is on the minus strand). VCF-style: chr9-136438986-C-T. GRCh37 (hg19) VCF-style: chr9-139333438-C-T.
Other names: c.434G>A, p.Gly145Glu (NM_001318502.2); short protein forms G145E.
Identifiers: ClinVar variation 4993017 (VCV004993017.1).